The following is an entry in ClinVar:

NM_000352.6(ABCC8):c.4177C>G (p.Arg1393Gly)

Gene: ABCC8 (ATP binding cassette subfamily C member 8; minus strand). Cytogenetic location: 11p15.1.
Variant type: single nucleotide variant.
Coding change: c.4177C>G on transcript NM_000352.6 (MANE Select); coding-DNA position 4177, C replaced by G.
Protein change: p.Arg1393Gly; replaces arginine 1393 with glycine.
Molecular consequence: missense variant. On other transcripts: non-coding transcript variant (1).
Genome position (GRCh38, 1-based): chr11:17,395,873, G>C on the plus strand (C>G on the coding strand, the complement: ABCC8 is on the minus strand). VCF-style: chr11-17395873-G-C. GRCh37 (hg19) VCF-style: chr11-17417420-G-C.
Other names: c.4180C>G, p.Arg1394Gly (NM_001287174.3); c.4243C>G, p.Arg1415Gly (NM_001351295.2); c.4177C>G, p.Arg1393Gly (NM_001351296.2); c.4174C>G, p.Arg1392Gly (NM_001351297.2); short protein forms R1394G, R1393G, R1392G, R1415G.
Identifiers: ClinVar variation 2752629 (VCV002752629.3), dbSNP rs776610373, ClinGen allele CA379787909.
Genomic context (GRCh38, chr11:17,395,873, plus strand): 5'-GGCTGTGGGTACACGTGGGGTGCCCGCCTTACAACTCACCTTCGAACGTGTCCACCATGC[G>C]GAAGAAGGCAAGAGAGAAGGAGGACTTCCCACTGCCGGTGCGGCCGCAGATCCCGATCTG-3'
Protein context (NP_000343.2, residues 1383-1403): GKSSFSLAFF[Arg1393Gly]MVDTFEGHII

ClinVar aggregate classification (germline): Likely pathogenic (1 of 4 stars; one submission).

Submission:

Labcorp Genetics (formerly Invitae), Labcorp
Classification: Likely pathogenic. Last evaluated: 2023-05-31. Review status: criteria provided, single submitter. Criteria: Invitae Variant Classification Sherloc (09022015). Collection method: clinical testing. Allele origin: germline.
Comment: This variant disrupts the p.Arg1393 amino acid residue in ABCC8. Other variant(s) that disrupt this residue have been determined to be pathogenic (PMID: 26180531, 26208381; Invitae). This suggests that this residue is clinically significant, and that variants that disrupt this residue are likely to be disease-causing. In summary, the currently available evidence indicates that the variant is pathogenic, but additional data are needed to prove that conclusively. Therefore, this variant has been classified as Likely Pathogenic. This sequence change replaces arginine, which is basic and polar, with glycine, which is neutral and non-polar, at codon 1393 of the ABCC8 protein (p.Arg1393Gly). This variant is not present in population databases (gnomAD no frequency). This variant has not been reported in the literature in individuals affected with ABCC8-related conditions. Advanced modeling of protein sequence and biophysical properties (such as structural, functional, and spatial information, amino acid conservation, physicochemical variation, residue mobility, and thermodynamic stability) performed at Invitae indicates that this missense variant is expected to disrupt ABCC8 protein function.

Literature cited by the submitters: PubMed 26180531; PubMed 26208381.